The following is an entry in ClinVar:

NM_000103.4(CYP19A1):c.1369C>T (p.Arg457Ter)

Genes: CYP19A1 (cytochrome P450 family 19 subfamily A member 1; minus strand), MIR4713HG (MIR4713 host gene; plus strand), PIRC66 (piwi-interacting RNA cluster 66; plus strand). Cytogenetic location: 15q21.2.
Variant type: single nucleotide variant.
Coding change: c.1369C>T on transcript NM_000103.4 (MANE Select); coding-DNA position 1369, C replaced by T.
Protein change: p.Arg457Ter; replaces arginine 457 with a stop codon.
Molecular consequence: nonsense.
Genome position (GRCh38, 1-based): chr15:51,210,951, G>A on the plus strand (C>T on the coding strand, the complement: CYP19A1 is on the minus strand). VCF-style: chr15-51210951-G-A. GRCh37 (hg19) VCF-style: chr15-51503148-G-A.
Other names: c.1369C>T (NM_031226.2); c.1369C>T, p.Arg457Ter (NM_001347248.1, NM_001347249.2, NM_001347250.2 and 7 more transcripts); short protein forms R457*.
Identifiers: ClinVar variation 3577353 (VCV003577353.2).

ClinVar aggregate classification (germline): Likely pathogenic. Review status: criteria provided, multiple submitters, no conflicts (2 of 4 stars). 2 submissions from 2 submitters: Likely pathogenic (2). Last evaluated 2025-05-06.

Conditions:
Aromatase deficiency. Also called: Increased aromatase activity; PSEUDOHERMAPHRODITISM, FEMALE, DUE TO PLACENTAL AROMATASE DEFICIENCY. Identifiers: Orphanet 91, MedGen C1960539, MONDO:0013301, OMIM 613546.
Aromatase excess syndrome (AEXS). Also called: GYNECOMASTIA, HEREDITARY; Familial gynecomastia, due to increased aromatase activity; AROMATASE ACTIVITY, INCREASED. Identifiers: Orphanet 178345, MedGen C1970109, MONDO:0007690, OMIM 139300.

gnomAD v4.1: 13 of 1,607,984 alleles (0.00081%); highest among the groups gnomAD compares: East Asian, 0.0067%; no homozygotes.

Submissions (2):

Natera, Inc.
Classification: Likely pathogenic for Aromatase deficiency. Last evaluated: 2025-05-06. Review status: criteria provided, single submitter. Criteria: Natera Variant Classification Schema (03/2026). Collection method: clinical testing. Allele origin: germline.
Comment: The c.1369C>T variant in CYP19A1 is a nonsense variant predicted to introduce a stop codon at amino acid 457. This variant may result in a truncated or dysfunctional protein product. This variant is rare in the general population with a frequency below the threshold expected for the associated phenotype(s). This variant has been observed in one or more individuals affected with the associated recessive disease, as either homozygous or compound heterozygous with a second variant (PMID: 35432193, 9177373). Given the available evidence, this variant is classified as Likely Pathogenic.

Fulgent Genetics
Classification: Likely pathogenic for Aromatase excess syndrome; Aromatase deficiency. Last evaluated: 2024-05-29. Review status: criteria provided, single submitter. Criteria: ACMG Guidelines, 2015. Collection method: clinical testing. Allele origin: germline.

Literature cited by the submitters: PubMed 35432193 (cited by Natera, Inc.); PubMed 9177373 (cited by Natera, Inc.).